The following is an entry in ClinVar:

NM_002691.4(POLD1):c.2009C>T (p.Ala670Val)

Gene: POLD1 (DNA polymerase delta 1, catalytic subunit; plus strand). Cytogenetic location: 19q13.33.
Variant type: single nucleotide variant.
Coding change: c.2009C>T on transcript NM_002691.4 (MANE Select); coding-DNA position 2009, C replaced by T.
Protein change: p.Ala670Val; replaces alanine 670 with valine.
Molecular consequence: missense variant. On other transcripts: non-coding transcript variant (1).
Genome position (GRCh38, 1-based): chr19:50,409,521, C>T. VCF-style: chr19-50409521-C-T. GRCh37 (hg19) VCF-style: chr19-50912778-C-T.
Other names: c.2009C>T, p.Ala670Val (NM_001256849.1); c.2087C>T, p.Ala696Val (NM_001308632.1); short protein forms A696V, A670V.
Identifiers: ClinVar variation 537031 (VCV000537031.8), dbSNP rs1555791976, ClinGen allele CA406982442.

ClinVar aggregate classification (germline): Uncertain significance (1 of 4 stars; one submission).

Conditions:
POLD1-related polyposis and colorectal cancer syndrome (CRCS10). Also called: Colorectal cancer 10; COLORECTAL CANCER, SUSCEPTIBILITY TO, ON CHROMOSOME 19q; Colorectal cancer, susceptibility to, 10. Identifiers: Orphanet 220460, MedGen C2675481, MONDO:0012953, OMIM 612591.

Allele frequency attached by ClinVar (database versions not stated): gnomAD exomes below 0.00001.
gnomAD v4.1: 3 of 1,613,556 alleles (0.00019%); highest among the groups gnomAD compares: South Asian, 0.0022%; no homozygotes.

Submission:

Labcorp Genetics (formerly Invitae), Labcorp
Classification: Uncertain significance for POLD1-related polyposis and colorectal cancer syndrome. Last evaluated: 2023-11-27. Review status: criteria provided, single submitter. Criteria: Invitae Variant Classification Sherloc (09022015). Collection method: clinical testing. Allele origin: germline.
Comment: This sequence change replaces alanine, which is neutral and non-polar, with valine, which is neutral and non-polar, at codon 670 of the POLD1 protein (p.Ala670Val). This variant is not present in population databases (gnomAD no frequency). This variant has not been reported in the literature in individuals affected with POLD1-related conditions. ClinVar contains an entry for this variant (Variation ID: 537031). An algorithm developed to predict the effect of missense changes on protein structure and function (PolyPhen-2) suggests that this variant is likely to be disruptive. In summary, the available evidence is currently insufficient to determine the role of this variant in disease. Therefore, it has been classified as a Variant of Uncertain Significance.